The following is an entry in ClinVar:

ClinVar aggregate classification (germline): Uncertain significance. Review status: criteria provided, multiple submitters, no conflicts (2 of 4 stars). 2 submissions from 2 submitters: Uncertain significance (2). Last evaluated 2024-10-01.

Submissions (2):

CeGaT Center for Human Genetics Tuebingen
Classification: Uncertain significance. Last evaluated: 2024-10-01. Review status: criteria provided, single submitter. Criteria: CeGaT Center For Human Genetics Tuebingen Variant Classification Criteria Version 2. Collection method: clinical testing. Allele origin: germline. Affected: yes. Observed: 1 variant allele.
Comment: ITPR1: PM2, PS2:Moderate, PP3

Labcorp Genetics (formerly Invitae), Labcorp
Classification: Uncertain significance. Last evaluated: 2023-06-03. Review status: criteria provided, single submitter. Criteria: Invitae Variant Classification Sherloc (09022015). Collection method: clinical testing. Allele origin: germline.
Comment: In summary, the available evidence is currently insufficient to determine the role of this variant in disease. Therefore, it has been classified as a Variant of Uncertain Significance. This sequence change replaces arginine, which is basic and polar, with leucine, which is neutral and non-polar, at codon 2381 of the ITPR1 protein (p.Arg2381Leu). This variant is not present in population databases (gnomAD no frequency). This variant has not been reported in the literature in individuals affected with ITPR1-related conditions. Advanced modeling of protein sequence and biophysical properties (such as structural, functional, and spatial information, amino acid conservation, physicochemical variation, residue mobility, and thermodynamic stability) has been performed at Invitae for this missense variant, however the output from this modeling did not meet the statistical confidence thresholds required to predict the impact of this variant on ITPR1 protein function.

NM_001378452.1(ITPR1):c.7331G>T (p.Arg2444Leu)

Gene: ITPR1 (inositol 1,4,5-trisphosphate receptor type 1; plus strand). Cytogenetic location: 3p26.1.
Variant type: single nucleotide variant.
Coding change: c.7331G>T on transcript NM_001378452.1 (MANE Select); coding-DNA position 7331, G replaced by T.
Protein change: p.Arg2444Leu; replaces arginine 2444 with leucine.
Molecular consequence: missense variant.
Genome position (GRCh38, 1-based): chr3:4,811,323, G>T. VCF-style: chr3-4811323-G-T. GRCh37 (hg19) VCF-style: chr3-4853007-G-T.
Other names: c.7187G>T, p.Arg2396Leu (NM_001099952.4); c.7286G>T, p.Arg2429Leu (NM_001168272.2); c.7142G>T, p.Arg2381Leu (NM_002222.7); short protein forms R2429L, R2381L, R2444L, R2396L.
Identifiers: ClinVar variation 2763858 (VCV002763858.17), dbSNP rs2470165790, ClinGen allele CA351647587.